The following is an entry in ClinVar:

ClinVar aggregate classification (germline): Uncertain significance (1 of 4 stars; one submission).

Conditions:
Dyskeratosis congenita. Identifiers: Orphanet 1775, MedGen C0265965, MONDO:0015780.

gnomAD v4.1: 1 of 1,614,158 alleles (0.000062%); highest among the groups gnomAD compares: Non-Finnish European, 0.000085%; no homozygotes.

Submission:

Labcorp Genetics (formerly Invitae), Labcorp
Classification: Uncertain significance for Dyskeratosis congenita. Last evaluated: 2021-08-14. Review status: criteria provided, single submitter. Criteria: Invitae Variant Classification Sherloc (09022015). Collection method: clinical testing. Allele origin: germline.
Comment: This sequence change replaces tyrosine with cysteine at codon 134 of the CTC1 protein (p.Tyr134Cys). The tyrosine residue is highly conserved and there is a large physicochemical difference between tyrosine and cysteine. This variant is not present in population databases (ExAC no frequency). This variant has not been reported in the literature in individuals affected with CTC1-related conditions. Algorithms developed to predict the effect of missense changes on protein structure and function are either unavailable or do not agree on the potential impact of this missense change (SIFT: "Deleterious"; PolyPhen-2: "Benign"; Align-GVGD: "Class C0"). In summary, the available evidence is currently insufficient to determine the role of this variant in disease. Therefore, it has been classified as a Variant of Uncertain Significance.

NM_025099.6(CTC1):c.401A>G (p.Tyr134Cys)

Gene: CTC1 (CST telomere replication complex component 1; minus strand). Cytogenetic location: 17p13.1.
Variant type: single nucleotide variant.
Coding change: c.401A>G on transcript NM_025099.6 (MANE Select); coding-DNA position 401, A replaced by G.
Protein change: p.Tyr134Cys; replaces tyrosine 134 with cysteine.
Molecular consequence: missense variant. On other transcripts: non-coding transcript variant (1).
Genome position (GRCh38, 1-based): chr17:8,238,426, T>C on the plus strand (A>G on the coding strand, the complement: CTC1 is on the minus strand). VCF-style: chr17-8238426-T-C. GRCh37 (hg19) VCF-style: chr17-8141744-T-C.
Other names: short protein forms Y134C.
Identifiers: ClinVar variation 1436668 (VCV001436668.5), dbSNP rs2151531350, ClinGen allele CA397993129.
Genomic context (GRCh38, chr17:8,238,426, plus strand): 5'-GCATCTGATCTCCACCTTCCACTCACCTCACAGCTCAGGACGCCAGTGTTATCTCTCACA[T>C]AGAGGCTTCCGTTCCTGCACTCTTGTTCCAAGTCTGCCGATAGGTCTGTTAGTGTCCCTA-3'
Protein context (NP_079375.3, residues 124-144): LEQECRNGSL[Tyr134Cys]VRDNTGVLSC